The following is an entry in ClinVar:

ClinVar aggregate classification (germline): Likely benign (1 of 4 stars; one submission).

gnomAD v4.1: 4 of 1,530,056 alleles (0.00026%); highest among the groups gnomAD compares: East Asian, 0.0045%; no homozygotes.

Submission:

Mayo Clinic Laboratories, Mayo Clinic
Classification: Likely benign. Last evaluated: 2025-12-03. Review status: criteria provided, single submitter. Criteria: ACMG Guidelines, 2015. Collection method: clinical testing. Allele origin: germline. Observed: 1 variant allele.
Comment: BP4, BP7, PM2_supporting

NM_012079.6(DGAT1):c.750C>A (p.Arg250=)

Gene: DGAT1 (diacylglycerol O-acyltransferase 1; minus strand). Cytogenetic location: 8q24.3.
Variant type: single nucleotide variant.
Coding change: c.750C>A on transcript NM_012079.6 (MANE Select); coding-DNA position 750, C replaced by A.
Protein change: p.Arg250=; no amino-acid change (arginine 250 retained).
Molecular consequence: synonymous variant.
Genome position (GRCh38, 1-based): chr8:144,318,096, G>T on the plus strand (C>A on the coding strand, the complement: DGAT1 is on the minus strand). VCF-style: chr8-144318096-G-T. GRCh37 (hg19) VCF-style: chr8-145541759-G-T.
Other names: p.Arg250=.
Identifiers: ClinVar variation 4683367 (VCV004683367.1).